The following is an entry in ClinVar:

ClinVar aggregate classification (germline): Uncertain significance (1 of 4 stars; one submission).

Conditions:
Malignant hyperthermia, susceptibility to, 1 (MHS1). Also called: Anesthesia related hyperthermia; Malignant hyperpyrexia; Fulminating hyperpyrexia; Pharmacogenic myopathy; RYR1-Related Malignant Hyperthermia Susceptibility; Malignant hyperthermia suceptibility 1. Identifiers: Orphanet 423, MedGen C2930980, MONDO:0007783, OMIM 145600.

Submission:

All of Us Research Program, National Institutes of Health
Classification: Uncertain significance for Malignant hyperthermia, susceptibility to, 1. Last evaluated: 2023-06-26. Review status: criteria provided, single submitter. Criteria: ACMG Guidelines, 2015. Collection method: clinical testing. Allele origin: germline. Inheritance: Autosomal dominant inheritance. Observed: 1 variant allele, 1 heterozygote.
Comment: This missense variant replaces methionine with leucine at codon 1851 of the RYR1 protein. Computational prediction suggests that this variant may not impact protein structure and function (internally defined REVEL score threshold <= 0.5, PMID: 27666373). To our knowledge, functional studies have not been reported for this variant. This variant has not been reported in individuals affected with RYR1-related disorders in the literature. This variant has not been identified in the general population by the Genome Aggregation Database (gnomAD). The available evidence is insufficient to determine the role of this variant in disease conclusively. Therefore, this variant is classified as a Variant of Uncertain Significance.

This study involves interpretation of variants in research participants for the purpose of population health screening. Participant phenotype was not available at the time of variant classification. Additional details can be found in publication PMID: 35346344, PMCID: PMC8962531

NM_000540.3(RYR1):c.5551A>T (p.Met1851Leu)

Gene: RYR1 (ryanodine receptor 1; plus strand). Cytogenetic location: 19q13.2.
Variant type: single nucleotide variant.
Coding change: c.5551A>T on transcript NM_000540.3 (MANE Select); coding-DNA position 5551, A replaced by T.
Protein change: p.Met1851Leu; replaces methionine 1851 with leucine.
Molecular consequence: missense variant.
Genome position (GRCh38, 1-based): chr19:38,489,180, A>T. VCF-style: chr19-38489180-A-T. GRCh37 (hg19) VCF-style: chr19-38979820-A-T.
Other names: c.5551A>T, p.Met1851Leu (NM_001042723.2); short protein forms M1851L.
Identifiers: ClinVar variation 3071840 (VCV003071840.1), dbSNP rs2514245092, ClinGen allele CA405657310.